The following is an entry in ClinVar:

ClinVar aggregate classification (germline): Likely benign (0 of 4 stars; one submission).

Conditions:
PTPRS-related disorder. Also called: PTPRS-related condition.

Allele frequency attached by ClinVar (database versions not stated): ExAC 0.00006; gnomAD 0.00007; gnomAD exomes 0.00007; TOPMed 0.00008.
gnomAD v4.1: 113 of 1,601,950 alleles (0.0071%); highest among the groups gnomAD compares: African/African-American, 0.013%; no homozygotes.

Submission:

PreventionGenetics, part of Exact Sciences
Classification: Likely benign for PTPRS-related condition. Last evaluated: 2019-02-19. Review status: no assertion criteria provided. Collection method: clinical testing. Allele origin: germline.
Comment: This variant is classified as likely benign based on ACMG/AMP sequence variant interpretation guidelines (Richards et al. 2015 PMID: 25741868, with internal and published modifications).

NM_002850.4(PTPRS):c.1494C>T (p.Thr498=)

Gene: PTPRS (protein tyrosine phosphatase receptor type S; minus strand). Cytogenetic location: 19p13.3.
Variant type: single nucleotide variant.
Coding change: c.1494C>T on transcript NM_002850.4 (MANE Select); coding-DNA position 1494, C replaced by T.
Protein change: p.Thr498=; no amino-acid change (threonine 498 retained).
Molecular consequence: synonymous variant.
Genome position (GRCh38, 1-based): chr19:5,243,977, G>A on the plus strand (C>T on the coding strand, the complement: PTPRS is on the minus strand). VCF-style: chr19-5243977-G-A. GRCh37 (hg19) VCF-style: chr19-5243988-G-A.
Other names: c.1455C>T, p.Thr485= (NM_001394011.1, NM_001394012.1, NM_001394013.1 and 2 more transcripts); c.1467C>T, p.Thr489= (NM_130855.3).
Identifiers: ClinVar variation 3034541 (VCV003034541.2), dbSNP rs765834722, ClinGen allele CA9110349.